The following is an entry in ClinVar:

ClinVar aggregate classification (germline): Uncertain significance (1 of 4 stars; one submission).

Allele frequency attached by ClinVar (database versions not stated): gnomAD exomes below 0.00001; gnomAD 0.00001.
gnomAD v4.1: 3 of 1,609,110 alleles (0.00019%); highest among the groups gnomAD compares: Non-Finnish European, 0.00025%; no homozygotes.

Submission:

Ambry Genetics
Classification: Uncertain significance. Last evaluated: 2023-10-08. Review status: criteria provided, single submitter. Criteria: Ambry Variant Classification Scheme 2023. Collection method: clinical testing. Allele origin: germline.
Comment: The p.T778I variant (also known as c.2333C>T), located in coding exon 19 of the BUB1 gene, results from a C to T substitution at nucleotide position 2333. The threonine at codon 778 is replaced by isoleucine, an amino acid with similar properties. This amino acid position is conserved. In addition, this alteration is predicted to be tolerated by in silico analysis. Since supporting evidence is limited at this time, the clinical significance of this alteration remains unclear.

NM_004336.5(BUB1):c.2333C>T (p.Thr778Ile)

Gene: BUB1 (BUB1 mitotic checkpoint serine/threonine kinase; minus strand). Cytogenetic location: 2q13.
Variant type: single nucleotide variant.
Coding change: c.2333C>T on transcript NM_004336.5 (MANE Select); coding-DNA position 2333, C replaced by T.
Protein change: p.Thr778Ile; replaces threonine 778 with isoleucine.
Molecular consequence: missense variant.
Genome position (GRCh38, 1-based): chr2:110,649,248, G>A on the plus strand (C>T on the coding strand, the complement: BUB1 is on the minus strand). VCF-style: chr2-110649248-G-A. GRCh37 (hg19) VCF-style: chr2-111406825-G-A.
Other names: c.2273C>T, p.Thr758Ile (NM_001278616.2); c.2333C>T, p.Thr778Ile (NM_001278617.2); short protein forms T758I, T778I.
Identifiers: ClinVar variation 3224042 (VCV003224042.1), dbSNP rs1348002488, ClinGen allele CA348209377.
Genomic context (GRCh38, chr2:110,649,248, plus strand): 5'-ATAGAGAAACAAGAATTTAAAGTTATATTATCCAAATAATTCTTACCCAATTGAAATTCA[G>A]TCTTGGGCTTGATGGCTGGAAGTTTACATTGCCATTCAAAAGTATTTGGATAGGAACTCA-3'
Protein context (NP_004327.1, residues 768-788): QCKLPAIKPK[Thr778Ile]EFQLGSKLVY